The following is an entry in ClinVar:

NM_024079.5(ALG8):c.1443C>G (p.Thr481=)

Gene: ALG8 (ALG8 alpha-1,3-glucosyltransferase; minus strand). Cytogenetic location: 11q14.1.
Variant type: single nucleotide variant.
Coding change: c.1443C>G on transcript NM_024079.5 (MANE Select); coding-DNA position 1443, C replaced by G.
Protein change: p.Thr481=; no amino-acid change (threonine 481 retained).
Molecular consequence: synonymous variant. On other transcripts: 3 prime UTR variant (1).
Genome position (GRCh38, 1-based): chr11:78,101,102, G>C on the plus strand (C>G on the coding strand, the complement: ALG8 is on the minus strand). VCF-style: chr11-78101102-G-C. GRCh37 (hg19) VCF-style: chr11-77812148-G-C.
Other names: c.*114C>G (NM_001007027.3).
Identifiers: ClinVar variation 697999 (VCV000697999.13), dbSNP rs746756065, ClinGen allele CA6203120.
Genomic context (GRCh38, chr11:78,101,102, plus strand): 5'-TACTGCACAATACACTGAGGTTAGTAACAAAGGGATGAAGGGGTACTTCACCTTCCAGGA[G>C]GTGAAAGGGAATACAAATTCACAGCAGACTTCCAGAGGCCCCAGGCCAAGCAGGTAGAAA-3'
Protein context (NP_076984.2, residues 471-491): EVCCEFVFPF[Thr481=]SWKVKYPFIP

ClinVar aggregate classification (germline): Likely benign. Review status: criteria provided, multiple submitters, no conflicts (2 of 4 stars). 4 submissions from 4 submitters: Likely benign (4). Last evaluated 2025-02-27.

Conditions:
ALG8 congenital disorder of glycosylation. Also called: CDG Ih; ALG8-CDG; CONGENITAL DISORDER OF GLYCOSYLATION, TYPE Ih. Identifiers: Orphanet 79325, MedGen C2931002, MONDO:0011969, OMIM 608104.
ALG8-related disorder.
Polycystic liver disease 3 with or without kidney cysts. Identifiers: MedGen C4693472, MONDO:0054743, OMIM 617874.

Allele frequency attached by ClinVar (database versions not stated): ExAC 0.00003; TOPMed 0.00018.
gnomAD v4.1: 122 of 1,614,068 alleles (0.0076%); highest among the groups gnomAD compares: Admixed American, 0.2%; 1 homozygote.

Submissions (4):

Labcorp Genetics (formerly Invitae), Labcorp
Classification: Likely benign for ALG8 congenital disorder of glycosylation. Last evaluated: 2025-02-27. Review status: criteria provided, single submitter. Criteria: Invitae Variant Classification Sherloc (09022015). Collection method: clinical testing. Allele origin: germline.

PreventionGenetics, part of Exact Sciences
Classification: Likely benign for ALG8-related condition. Last evaluated: 2024-12-06. Review status: criteria provided, single submitter. Criteria: ACMG Guidelines, 2015. Collection method: clinical testing. Allele origin: germline.
Comment: This variant is classified as likely benign based on ACMG/AMP sequence variant interpretation guidelines (Richards et al. 2015 PMID: 25741868, with internal and published modifications).

Blueprint Genetics
Classification: Likely benign. Last evaluated: 2022-03-09. Review status: criteria provided, single submitter. Criteria: ACMG Guidelines, 2015. Collection method: clinical testing. Allele origin: germline.

Fulgent Genetics
Classification: Likely benign for ALG8 congenital disorder of glycosylation; Polycystic liver disease 3 with or without kidney cysts. Last evaluated: 2021-08-19. Review status: criteria provided, single submitter. Criteria: ACMG Guidelines, 2015. Collection method: clinical testing. Allele origin: unknown.